The following is an entry in ClinVar:

NM_001378454.1(ALMS1):c.5626A>G (p.Ile1876Val)

Gene: ALMS1 (ALMS1 centrosome and basal body associated protein; plus strand). Cytogenetic location: 2p13.1.
Variant type: single nucleotide variant.
Coding change: c.5626A>G on transcript NM_001378454.1 (MANE Select); coding-DNA position 5626, A replaced by G.
Protein change: p.Ile1876Val; replaces isoleucine 1876 with valine.
Molecular consequence: missense variant.
Genome position (GRCh38, 1-based): chr2:73,452,153, A>G. VCF-style: chr2-73452153-A-G. GRCh37 (hg19) VCF-style: chr2-73679280-A-G.
Other names: NM_015120.4:c.5623A>G; p.Ile1875Val; c.5629A>G, p.Ile1877Val (NM_015120.4); short protein forms I1877V, I1876V.
Identifiers: ClinVar variation 383758 (VCV000383758.31), dbSNP rs6546838, ClinGen allele CA1713917.

ClinVar aggregate classification (germline): Benign. Review status: criteria provided, multiple submitters, no conflicts (2 of 4 stars). 12 submissions from 12 submitters: Benign (8). 4 of the submissions do not count toward it. Last evaluated 2026-02-04.

Conditions:
Cardiovascular phenotype. Identifiers: MedGen CN230736.
Early onset severe obesity. Identifiers: MedGen C4013980.
Alstrom syndrome (ALMS). Identifiers: Orphanet 64, MedGen C0268425, MONDO:0008763, OMIM 203800.

Allele frequency attached by ClinVar (database versions not stated): ESP Exome Variant Server 0.39125; gnomAD 0.40153 and 0.38586; TOPMed 0.41128; gnomAD exomes 0.24337 and 0.26521; ExAC 0.26759; 1000 Genomes Project 0.35883; 1000 Genomes Project 30x 0.37633.
gnomAD v4.1: 414,316 of 1,613,200 alleles (26%); highest among the groups gnomAD compares: African/African-American, 76%; 65,890 homozygotes.

Submissions (12):

Labcorp Genetics (formerly Invitae), Labcorp
Classification: Benign for Alstrom syndrome. Last evaluated: 2026-02-04. Review status: criteria provided, single submitter. Criteria: Invitae Variant Classification Sherloc (09022015). Collection method: clinical testing. Allele origin: germline.

Blueprint Genetics
Classification: Benign. Last evaluated: 2024-11-26. Review status: criteria provided, single submitter. Criteria: ACMG Guidelines, 2015. Collection method: clinical testing. Allele origin: germline.

Cambridge Genomics Laboratory, East Genomic Laboratory Hub, NHS Genomic Medicine Service
Classification: Benign for Severe early-onset obesity. Last evaluated: 2023-08-09. Review status: criteria provided, single submitter. Criteria: ACGS Best Practice Guidelines for Variant Classification in Rare Disease 2020. Collection method: clinical testing. Allele origin: germline. Affected: yes.
Comment: The p.(Ile1876Val) variant is observed in 11.925/15.468 (77.0946%) alleles from individuals of gnomAD African background in gnomAD All. The p.(Ile1876Val) variant is observed in 1.797/5.008 (35.8826%) alleles from individuals of 1kG All background in 1kG All. The p.(Ile1876Val) variant is observed in 31.210/41.288 (75.591%) alleles from individuals of gnomAD Genomes v3 African background in gnomAD Genomes v3, indicating it is a common benign variant. (BA1 - Standalone)

Genome-Nilou Lab
Classification: Benign for Alstrom syndrome. Last evaluated: 2021-07-14. Review status: criteria provided, single submitter. Criteria: ACMG Guidelines, 2015. Collection method: clinical testing. Allele origin: germline. Affected: no.

Ambry Genetics
Classification: Benign for Cardiovascular phenotype. Last evaluated: 2018-12-21. Review status: criteria provided, single submitter. Criteria: Ambry Variant Classification Scheme 2023. Collection method: clinical testing. Allele origin: germline.

GeneDx
Classification: Benign. Last evaluated: 2016-09-09. Review status: criteria provided, single submitter. Criteria: GeneDx Variant Classification (06012015). Collection method: clinical testing. Allele origin: germline. Affected: yes.
Comment: This variant is considered likely benign or benign based on one or more of the following criteria: it is a conservative change, it occurs at a poorly conserved position in the protein, it is predicted to be benign by multiple in silico algorithms, and/or has population frequency not consistent with disease.

Laboratory for Molecular Medicine, Mass General Brigham Personalized Medicine
Classification: Benign. Last evaluated: 2016-03-21. Review status: criteria provided, single submitter. Criteria: LMM Criteria. Collection method: clinical testing. Allele origin: germline. Observed: 140 variant alleles.
Comment: p.Ile1875Val in exon 8 of ALMS1: This variant is not expected to have clinical s ignificance because it has been identified in 85.85% (1135/1322) of African chro mosomes by the 1000 Genomes Project (Phase 3; dbSNP rs6546838).

Breakthrough Genomics
Classification: Benign. Review status: criteria provided, single submitter. Criteria: ACMG Guidelines, 2015. Collection method: not provided. Allele origin: germline. Inheritance: Autosomal recessive inheritance. Affected: yes.

Natera, Inc.
Classification: Benign for Alstrom syndrome. Last evaluated: 2020-09-16. Review status: no assertion criteria provided. Collection method: clinical testing. Allele origin: germline. Not counted in ClinVar's aggregate classification.

Clinical Genetics, Academic Medical Center
Classification: Benign. Review status: no assertion criteria provided. Collection method: clinical testing. Allele origin: germline. Affected: yes. Study: VKGL Data-share Consensus. Not counted in ClinVar's aggregate classification.

Diagnostic Laboratory, Department of Genetics, University Medical Center Groningen
Classification: Benign. Review status: no assertion criteria provided. Collection method: clinical testing. Allele origin: germline. Affected: yes. Study: VKGL Data-share Consensus. Not counted in ClinVar's aggregate classification.

Joint Genome Diagnostic Labs from Nijmegen and Maastricht, Radboudumc and MUMC+
Classification: Benign. Review status: no assertion criteria provided. Collection method: clinical testing. Allele origin: germline. Affected: yes. Study: VKGL Data-share Consensus. Not counted in ClinVar's aggregate classification.